The following is an entry in ClinVar:

NM_170606.3(KMT2C):c.5150A>G (p.Lys1717Arg)

Gene: KMT2C (lysine methyltransferase 2C; minus strand). Cytogenetic location: 7q36.1.
Variant type: single nucleotide variant.
Coding change: c.5150A>G on transcript NM_170606.3 (MANE Select); coding-DNA position 5150, A replaced by G.
Protein change: p.Lys1717Arg; replaces lysine 1717 with arginine.
Molecular consequence: missense variant.
Genome position (GRCh38, 1-based): chr7:152,183,089, T>C on the plus strand (A>G on the coding strand, the complement: KMT2C is on the minus strand). VCF-style: chr7-152183089-T-C. GRCh37 (hg19) VCF-style: chr7-151880174-T-C.
Other names: short protein forms K1717R.
Identifiers: ClinVar variation 3068826 (VCV003068826.2), dbSNP rs199588302, ClinGen allele CA4580311.

ClinVar aggregate classification (germline): Benign (1 of 4 stars; one submission).

Allele frequency attached by ClinVar (database versions not stated): gnomAD exomes 0.00002; gnomAD 0.00003; TOPMed 0.00003; ExAC 0.00007; 1000 Genomes Project 30x 0.00016; 1000 Genomes Project 0.00020.
gnomAD v4.1: 35 of 1,613,196 alleles (0.0022%); highest among the groups gnomAD compares: East Asian, 0.078%; no homozygotes.

Submission:

Women's Health and Genetics/Laboratory Corporation of America, LabCorp
Classification: Benign. Last evaluated: 2024-02-27. Review status: criteria provided, single submitter. Criteria: LabCorp Variant Classification Summary - May 2015. Collection method: clinical testing. Allele origin: germline.
Comment: Variant summary: KMT2C c.5150A>G (p.Lys1717Arg) results in a conservative amino acid change in the encoded protein sequence. Four of five in-silico tools predict a damaging effect of the variant on protein function. The variant allele was found at a frequency of 0.00011 in 250710 control chromosomes (gnomAD). The occurrence in several carriers suggests that this variant is likely not associated with a high penetrance, severe, early onset disease phenotype in heterozygous state. c.5150A>G has been reported in the literature in at least one individual with hereditary diffuse gastric cancer, but with no full genotype or phenotype provided (e.g. Liu_2022). This report does not provide unequivocal conclusions about association of the variant with Kleefstra Syndrome 2. To our knowledge, no experimental evidence demonstrating an impact on protein function has been reported. The following publication have been ascertained in the context of this evaluation (PMID: 36484990). No submitters have cited clinical-significance assessments for this variant to ClinVar. Based on the evidence outlined above, the variant was classified as benign.

Literature cited by the submitters: PubMed 36484990.